The following is an entry in ClinVar:

ClinVar aggregate classification (germline): Uncertain significance. Review status: criteria provided, multiple submitters, no conflicts (2 of 4 stars). 3 submissions from 3 submitters: Uncertain significance (3). Last evaluated 2024-12-04.

Conditions:
Inborn genetic diseases. Identifiers: MedGen C0950123, MeSH D030342.
Giant axonal neuropathy 1 (GAN1). Also called: GAN-Related Neurodegeneration; GIANT AXONAL NEUROPATHY 1, AUTOSOMAL RECESSIVE. Identifiers: Orphanet 643, MedGen C1850386, MONDO:0009749, OMIM 256850.

gnomAD v4.1: 1 of 1,602,052 alleles (0.000062%); highest among the groups gnomAD compares: Non-Finnish European, 0.000086%; no homozygotes.

Submissions (3):

GeneDx
Classification: Uncertain significance. Last evaluated: 2024-12-04. Review status: criteria provided, single submitter. Criteria: GeneDx Variant Classification Process June 2021. Collection method: clinical testing. Allele origin: germline. Affected: yes.
Comment: Not observed at significant frequency in large population cohorts (gnomAD); Missense variants in this gene are a common cause of disease and they are underrepresented in the general population; In silico analysis supports that this missense variant has a deleterious effect on protein structure/function; Has not been previously published as pathogenic or benign to our knowledge; This variant is associated with the following publications: (PMID: 27023907)

Labcorp Genetics (formerly Invitae), Labcorp
Classification: Uncertain significance for Giant axonal neuropathy 1. Last evaluated: 2022-11-27. Review status: criteria provided, single submitter. Criteria: Invitae Variant Classification Sherloc (09022015). Collection method: clinical testing. Allele origin: germline.
Comment: In summary, the available evidence is currently insufficient to determine the role of this variant in disease. Therefore, it has been classified as a Variant of Uncertain Significance. Algorithms developed to predict the effect of sequence changes on RNA splicing suggest that this variant may disrupt the consensus splice site. Advanced modeling of protein sequence and biophysical properties (such as structural, functional, and spatial information, amino acid conservation, physicochemical variation, residue mobility, and thermodynamic stability) performed at Invitae indicates that this missense variant is not expected to disrupt GAN protein function. This variant has not been reported in the literature in individuals affected with GAN-related conditions. This variant is present in population databases (no rsID available, gnomAD 0.0009%). This sequence change replaces arginine, which is basic and polar, with serine, which is neutral and polar, at codon 96 of the GAN protein (p.Arg96Ser).

Ambry Genetics
Classification: Uncertain significance for Inborn genetic diseases. Last evaluated: 2022-04-07. Review status: criteria provided, single submitter. Criteria: Ambry Variant Classification Scheme 2023. Collection method: clinical testing. Allele origin: germline.

NM_022041.4(GAN):c.288G>T (p.Arg96Ser)

Gene: GAN (gigaxonin; plus strand). Cytogenetic location: 16q23.2.
Variant type: single nucleotide variant.
Coding change: c.288G>T on transcript NM_022041.4 (MANE Select); coding-DNA position 288, G replaced by T.
Protein change: p.Arg96Ser; replaces arginine 96 with serine.
Molecular consequence: missense variant. On other transcripts: 5 prime UTR variant (1).
Genome position (GRCh38, 1-based): chr16:81,354,410, G>T. VCF-style: chr16-81354410-G-T. GRCh37 (hg19) VCF-style: chr16-81388015-G-T.
Other names: c.-352G>T (NM_001377486.1); short protein forms R96S.
Identifiers: ClinVar variation 2394456 (VCV002394456.6), dbSNP rs781296328, ClinGen allele CA396867138.